The following is an entry in ClinVar:

NM_001320669.3(ZFP30):c.730T>C (p.Cys244Arg)

Gene: ZFP30 (ZFP30 zinc finger protein; minus strand). Cytogenetic location: 19q13.12.
Variant type: single nucleotide variant.
Coding change: c.730T>C on transcript NM_001320669.3 (MANE Select); coding-DNA position 730, T replaced by C.
Protein change: p.Cys244Arg; replaces cysteine 244 with arginine.
Molecular consequence: missense variant.
Genome position (GRCh38, 1-based): chr19:37,635,811, A>G on the plus strand (T>C on the coding strand, the complement: ZFP30 is on the minus strand). VCF-style: chr19-37635811-A-G. GRCh37 (hg19) VCF-style: chr19-38126712-A-G.
Other names: c.730T>C, p.Cys244Arg (NM_001320666.3, NM_001320667.3, NM_001320668.3 and 1 more transcripts); c.727T>C, p.Cys243Arg (NM_001320670.3, NM_001320671.3); short protein forms C244R, C243R.
Identifiers: ClinVar variation 224819 (VCV000224819.2), dbSNP rs869312869, ClinGen allele CA357920.
Genomic context (GRCh38, chr19:37,635,811, plus strand): 5'-GAATCCTTTGATGGAGATTAAGTTGTCCTCTAACTCTAAAGGCTTTCCCACATTCTTTAC[A>G]TTCATACGGCTTCTCACCAATATGAATTCTCTGATGTACTCGAAGGTCTGAGCCACATGT-3'
Protein context (NP_001307598.1, residues 234-254): RIHIGEKPYE[Cys244Arg]KECGKAFRVR

ClinVar aggregate classification (germline): Likely pathogenic (1 of 4 stars; one submission).

Conditions:
Cerebral visual impairment and intellectual disability.

Submission:

Lupski Lab, Baylor-Hopkins CMG, Baylor College of Medicine
Classification: Likely pathogenic for Cerebral visual impairment and intellectual disability. Last evaluated: 2015-09-09. Review status: criteria provided, single submitter. Criteria: Bosch et al. (EJHG 2015). Collection method: research. Allele origin: de novo. Affected: yes. Observed: 1 variant allele, 1 heterozygote.
Comment: This study shows that diverse genetic causes underlie CVI.